The following is an entry in ClinVar:

NM_000064.4(C3):c.1653G>T (p.Val551=)

Gene: C3 (complement C3; minus strand). Cytogenetic location: 19p13.3.
Variant type: single nucleotide variant.
Coding change: c.1653G>T on transcript NM_000064.4 (MANE Select); coding-DNA position 1653, G replaced by T.
Protein change: p.Val551=; no amino-acid change (valine 551 retained).
Molecular consequence: synonymous variant.
Genome position (GRCh38, 1-based): chr19:6,710,672, C>A on the plus strand (G>T on the coding strand, the complement: C3 is on the minus strand). VCF-style: chr19-6710672-C-A. GRCh37 (hg19) VCF-style: chr19-6710683-C-A.
Other names: p.Val551=; c.1653G>T (LRG_27t1).
Identifiers: ClinVar variation 330322 (VCV000330322.20), dbSNP rs344534, ClinGen allele CA9129386.
Genomic context (GRCh38, chr19:6,710,672, plus strand): 5'-GGGCGAGCGAGCCCAGGGCACACTTACCGAGCCCACGCAGGAGTCCTTGACGTCCACCCA[C>A]ACGGAGTCGGCCACCACCTCCCTCTGGCCGCTGGCACCGATCAGCGTGTAGTACGCCACC-3'
Protein context (NP_000055.2, residues 541-561): SGQREVVADS[Val551=]WVDVKDSCVG

ClinVar aggregate classification (germline): Benign. Review status: criteria provided, multiple submitters, no conflicts (2 of 4 stars). 7 submissions from 5 submitters: Benign (7). Last evaluated 2026-02-01.

Conditions:
Age related macular degeneration 9. Identifiers: MedGen C1969651, MONDO:0012659, OMIM 611378.
Atypical hemolytic-uremic syndrome with C3 anomaly. Also called: AHUS, SUSCEPTIBILITY TO, 5. Identifiers: Orphanet 2134, MedGen C2752037, MONDO:0013043, OMIM 612925.
Complement component 3 deficiency. Identifiers: Orphanet 280133, MedGen C3151071, MONDO:0013417, OMIM 613779.

Allele frequency attached by ClinVar (database versions not stated): gnomAD exomes 0.00059 and 0.00147; ExAC 0.00187; 1000 Genomes Project 0.00519; 1000 Genomes Project 30x 0.00531; gnomAD 0.00594 and 0.00648; TOPMed 0.00613; ESP Exome Variant Server 0.00646.
gnomAD v4.1: 1,788 of 1,613,366 alleles (0.11%); highest among the groups gnomAD compares: African/African-American, 2.1%; 19 homozygotes.

Submissions (7):

Labcorp Genetics (formerly Invitae), Labcorp
Classification: Benign. Last evaluated: 2026-02-01. Review status: criteria provided, single submitter. Criteria: Invitae Variant Classification Sherloc (09022015). Collection method: clinical testing. Allele origin: germline.

Mayo Clinic Laboratories, Mayo Clinic
Classification: Benign. Last evaluated: 2024-01-30. Review status: criteria provided, single submitter. Criteria: ACMG Guidelines, 2015. Collection method: clinical testing. Allele origin: germline. Observed: 25 variant alleles.
Comment: BS1, BS2, BP4, BP7

Genetic Services Laboratory, University of Chicago
Classification: Benign. Last evaluated: 2018-12-19. Review status: criteria provided, single submitter. Criteria: ACMG Guidelines, 2015. Collection method: clinical testing. Allele origin: germline. Affected: no.

Illumina Laboratory Services, Illumina
Classification: Benign for Age related macular degeneration 9. Last evaluated: 2018-01-12. Review status: criteria provided, single submitter. Criteria: ICSL Variant Classification Criteria 13 December 2019. Collection method: clinical testing. Allele origin: germline.
Comment: This variant was observed in the ICSL laboratory as part of a predisposition screen in an ostensibly healthy population. It had not been previously curated by ICSL or reported in the Human Gene Mutation Database (HGMD: prior to June 1st, 2018), and was therefore a candidate for classification through an automated scoring system. Utilizing variant allele frequency, disease prevalence and penetrance estimates, and inheritance mode, an automated score was calculated to assess if this variant is too frequent to cause the disease. Based on the score and internal cut-off values, a variant classified as benign is not then subjected to further curation. The score for this variant resulted in a classification of benign for this disease.

Illumina Laboratory Services, Illumina
Classification: Benign for Complement component 3 deficiency. Last evaluated: 2018-01-12. Review status: criteria provided, single submitter. Criteria: ICSL Variant Classification Criteria 13 December 2019. Collection method: clinical testing. Allele origin: germline.
Comment: the same text as in the submission from Illumina Laboratory Services, Illumina above.

Illumina Laboratory Services, Illumina
Classification: Benign for Atypical hemolytic-uremic syndrome with C3 anomaly. Last evaluated: 2018-01-12. Review status: criteria provided, single submitter. Criteria: ICSL Variant Classification Criteria 13 December 2019. Collection method: clinical testing. Allele origin: germline.
Comment: the same text as in the submission from Illumina Laboratory Services, Illumina above.

Breakthrough Genomics
Classification: Benign. Review status: criteria provided, single submitter. Criteria: ACMG Guidelines, 2015. Collection method: not provided. Allele origin: germline. Inheritance: Autosomal recessive inheritance. Affected: yes.